The following is an entry in ClinVar:

ClinVar aggregate classification (germline): Pathogenic (1 of 4 stars; one submission).

Submission:

Labcorp Genetics (formerly Invitae), Labcorp
Classification: Pathogenic. Last evaluated: 2023-11-14. Review status: criteria provided, single submitter. Criteria: Invitae Variant Classification Sherloc (09022015). Collection method: clinical testing. Allele origin: unknown.
Comment: This variant is a gross deletion of the genomic region encompassing exon(s) 2-6 of the AUTS2 gene. This deletion is out-of-frame, and is expected to create a premature termination codon and result in an absent or disrupted protein product. Loss-of-function variants in AUTS2 are known to be pathogenic (PMID: 25205402, 27075013). This variant has not been reported in the literature in individuals affected with AUTS2-related conditions. For these reasons, this variant has been classified as Pathogenic.

Literature cited by the submitters: PubMed 25205402; PubMed 27075013.

NC_000007.13:g.(?_69364252)_(70163626_?)del

Gene: AUTS2 (activator of transcription and developmental regulator AUTS2; plus strand). Cytogenetic location: 7q11.22.
Variant type: Deletion.
Identifiers: ClinVar variation 3245913 (VCV003245913.1).